The following is an entry in ClinVar:

ClinVar aggregate classification (germline): Uncertain significance (1 of 4 stars; one submission).

Conditions:
Dilated cardiomyopathy 1W (CMD1W). Identifiers: Orphanet 154, MedGen C1969639, MONDO:0012667, OMIM 611407.

gnomAD v4.1: 1 of 1,613,998 alleles (0.000062%); highest among the groups gnomAD compares: Non-Finnish European, 0.000085%; no homozygotes.

Submission:

Labcorp Genetics (formerly Invitae), Labcorp
Classification: Uncertain significance for Dilated cardiomyopathy 1W. Last evaluated: 2024-11-05. Review status: criteria provided, single submitter. Criteria: Invitae Variant Classification Sherloc (09022015). Collection method: clinical testing. Allele origin: germline.
Comment: This sequence change replaces serine, which is neutral and polar, with alanine, which is neutral and non-polar, at codon 456 of the VCL protein (p.Ser456Ala). This variant is not present in population databases (gnomAD no frequency). This variant has not been reported in the literature in individuals affected with VCL-related conditions. An algorithm developed to predict the effect of missense changes on protein structure and function (PolyPhen-2) suggests that this variant is likely to be tolerated. In summary, the available evidence is currently insufficient to determine the role of this variant in disease. Therefore, it has been classified as a Variant of Uncertain Significance.

NM_014000.3(VCL):c.1366T>G (p.Ser456Ala)

Gene: VCL (vinculin; plus strand). Cytogenetic location: 10q22.2.
Variant type: single nucleotide variant.
Coding change: c.1366T>G on transcript NM_014000.3 (MANE Select); coding-DNA position 1366, T replaced by G.
Protein change: p.Ser456Ala; replaces serine 456 with alanine.
Molecular consequence: missense variant.
Genome position (GRCh38, 1-based): chr10:74,094,284, T>G. VCF-style: chr10-74094284-T-G. GRCh37 (hg19) VCF-style: chr10-75854042-T-G.
Other names: c.1366T>G, p.Ser456Ala (NM_003373.4); short protein forms S456A.
Identifiers: ClinVar variation 3665485 (VCV003665485.2).